The following is an entry in ClinVar:

ClinVar aggregate classification (germline): Uncertain significance (1 of 4 stars; one submission).

Conditions:
Dystonic disorder. Also called: Dystonia. Identifiers: MedGen C0013421, MONDO:0003441, HP:0001332.

Submission:

Labcorp Genetics (formerly Invitae), Labcorp
Classification: Uncertain significance for Dystonic disorder. Last evaluated: 2022-02-27. Review status: criteria provided, single submitter. Criteria: Invitae Variant Classification Sherloc (09022015). Collection method: clinical testing. Allele origin: germline.
Comment: This sequence change replaces isoleucine, which is neutral and non-polar, with phenylalanine, which is neutral and non-polar, at codon 785 of the ANO3 protein (p.Ile785Phe). This variant is not present in population databases (gnomAD no frequency). This variant has not been reported in the literature in individuals affected with ANO3-related conditions. Algorithms developed to predict the effect of missense changes on protein structure and function are either unavailable or do not agree on the potential impact of this missense change (SIFT: "Deleterious"; PolyPhen-2: "Probably Damaging"; Align-GVGD: "Class C0"). In summary, the available evidence is currently insufficient to determine the role of this variant in disease. Therefore, it has been classified as a Variant of Uncertain Significance.

NM_031418.4(ANO3):c.2353A>T (p.Ile785Phe)

Gene: ANO3 (anoctamin 3; plus strand). Cytogenetic location: 11p14.2.
Variant type: single nucleotide variant.
Coding change: c.2353A>T on transcript NM_031418.4 (MANE Select); coding-DNA position 2353, A replaced by T.
Protein change: p.Ile785Phe; replaces isoleucine 785 with phenylalanine.
Molecular consequence: missense variant.
Genome position (GRCh38, 1-based): chr11:26,643,259, A>T. VCF-style: chr11-26643259-A-T. GRCh37 (hg19) VCF-style: chr11-26664806-A-T.
Other names: c.2536A>T, p.Ile846Phe (NM_001313726.2); c.1915A>T, p.Ile639Phe (NM_001313727.2); short protein forms I639F, I785F, I846F.
Identifiers: ClinVar variation 2038948 (VCV002038948.4), dbSNP rs2539007697, ClinGen allele CA379939043.